The following is an entry in ClinVar:

ClinVar aggregate classification (germline): Uncertain significance (1 of 4 stars; one submission).

Allele frequency attached by ClinVar (database versions not stated): TOPMed below 0.00001; gnomAD 0.00001; gnomAD exomes 0.00001.
gnomAD v4.1: 4 of 1,613,814 alleles (0.00025%); highest among the groups gnomAD compares: Non-Finnish European, 0.00025%; no homozygotes.

Submission:

GeneDx
Classification: Uncertain significance. Last evaluated: 2023-05-13. Review status: criteria provided, single submitter. Criteria: GeneDx Variant Classification Process June 2021. Collection method: clinical testing. Allele origin: germline. Affected: yes.
Comment: In silico analysis supports that this missense variant has a deleterious effect on protein structure/function; Not observed at significant frequency in large population cohorts (gnomAD); Has not been previously published as pathogenic or benign to our knowledge

NM_001252102.2(KIF21B):c.2992G>A (p.Asp998Asn)

Gene: KIF21B (kinesin family member 21B; minus strand). Cytogenetic location: 1q32.1.
Variant type: single nucleotide variant.
Coding change: c.2992G>A on transcript NM_001252102.2 (MANE Select); coding-DNA position 2992, G replaced by A.
Protein change: p.Asp998Asn; replaces aspartic acid 998 with asparagine.
Molecular consequence: missense variant.
Genome position (GRCh38, 1-based): chr1:200,990,176, C>T on the plus strand (G>A on the coding strand, the complement: KIF21B is on the minus strand). VCF-style: chr1-200990176-C-T. GRCh37 (hg19) VCF-style: chr1-200959304-C-T.
Other names: c.2992G>A, p.Asp998Asn (NM_001252100.2, NM_001252103.2, NM_017596.4); short protein forms D998N.
Identifiers: ClinVar variation 2663269 (VCV002663269.1), dbSNP rs1656589224, ClinGen allele CA344132468.